The following is an entry in ClinVar:

ClinVar aggregate classification (germline): Likely pathogenic. Review status: criteria provided, multiple submitters, no conflicts (2 of 4 stars). 2 submissions from 2 submitters: Likely pathogenic (2). Last evaluated 2024-02-02.

Conditions:
Methylcobalamin deficiency type cblG (HMAG). Also called: HOMOCYSTINURIA-MEGALOBLASTIC ANEMIA, cblG COMPLEMENTATION TYPE; HOMOCYSTINURIA-MEGALOBLASTIC ANEMIA, cblG TYPE; Functional methionine synthase deficiency type cblG; HOMOCYSTINURIA-MEGALOBLASTIC ANEMIA DUE TO DEFECT IN COBALAMIN METABOLISM, cblG COMPLEMENTATION TYPE. Identifiers: Orphanet 2170, Orphanet 622, MedGen C1855128, MONDO:0009609, OMIM 250940.

Allele frequency attached by ClinVar (database versions not stated): gnomAD exomes below 0.00001 and 0.00001; ExAC 0.00001; gnomAD 0.00001; TOPMed 0.00001.
gnomAD v4.1: 6 of 1,612,022 alleles (0.00037%); highest among the groups gnomAD compares: African/African-American, 0.0013%; no homozygotes.

Submissions (2):

Labcorp Genetics (formerly Invitae), Labcorp
Classification: Likely pathogenic for Methylcobalamin deficiency type cblG. Last evaluated: 2024-02-02. Review status: criteria provided, single submitter. Criteria: Invitae Variant Classification Sherloc (09022015). Collection method: clinical testing. Allele origin: germline.
Comment: This sequence change affects a donor splice site in intron 17 of the MTR gene. It is expected to disrupt RNA splicing. Variants that disrupt the donor or acceptor splice site typically lead to a loss of protein function (PMID: 16199547), and loss-of-function variants in MTR are known to be pathogenic (PMID: 9683607, 12068375). This variant is present in population databases (rs778242201, gnomAD 0.0009%). This variant has not been reported in the literature in individuals affected with MTR-related conditions. ClinVar contains an entry for this variant (Variation ID: 1341945). Algorithms developed to predict the effect of sequence changes on RNA splicing suggest that this variant may disrupt the consensus splice site. In summary, the currently available evidence indicates that the variant is pathogenic, but additional data are needed to prove that conclusively. Therefore, this variant has been classified as Likely Pathogenic.

New York Genome Center
Classification: Likely pathogenic for Methylcobalamin deficiency type cblG. Last evaluated: 2020-05-29. Review status: criteria provided, single submitter. Criteria: NYGC Assertion Criteria 2020. Collection method: clinical testing. Allele origin: germline. Observed: 1 heterozygote. Study: CSER-NYCKidSeq.

Literature cited by the submitters: PubMed 16199547 (cited by Labcorp Genetics (formerly Invitae), Labcorp); PubMed 9683607 (cited by Labcorp Genetics (formerly Invitae), Labcorp); PubMed 12068375 (cited by Labcorp Genetics (formerly Invitae), Labcorp).

NM_000254.3(MTR):c.1812+1G>A

Gene: MTR (5-methyltetrahydrofolate-homocysteine methyltransferase; plus strand). Cytogenetic location: 1q43.
Variant type: single nucleotide variant.
Coding change: c.1812+1G>A on transcript NM_000254.3 (MANE Select); the canonical splice donor site of the intron after coding-DNA position 1812, G replaced by A.
Molecular consequence: splice donor variant.
Genome position (GRCh38, 1-based): chr1:236,852,638, G>A. VCF-style: chr1-236852638-G-A. GRCh37 (hg19) VCF-style: chr1-237015938-G-A.
Other names: c.1812+1G>A (NM_001291939.1, NM_001410942.1); c.591+1G>A (NM_001291940.2).
Identifiers: ClinVar variation 1341945 (VCV001341945.4), dbSNP rs778242201, ClinGen allele CA1474167.